The following is an entry in ClinVar:

ClinVar aggregate classification (germline): Likely benign (1 of 4 stars; one submission).

gnomAD v4.1: 950 of 1,553,374 alleles (0.061%); highest among the groups gnomAD compares: Non-Finnish European, 0.077%; 1 homozygote.

Submissions (3):

CeGaT Center for Human Genetics Tuebingen
Classification: Likely benign. Last evaluated: 2026-08-01. Review status: criteria provided, single submitter. Criteria: CeGaT Center For Human Genetics Tuebingen Variant Classification Criteria Version 2. Collection method: clinical testing. Allele origin: germline. Affected: yes. Observed: 1 variant allele.
Comment: SMARCAL1: BP4, BP7

Dr. Peter K. Rogan Lab, Western University
No classification provided (evidence only). Condition: Lung cancer. Review status: no classification provided. Collection method: in vitro. Allele origin: not applicable. Functional consequence: retained intron. Not counted in ClinVar's aggregate classification.

Dr. Peter K. Rogan Lab, Western University
No classification provided (evidence only). Condition: Sarcoma. Review status: no classification provided. Collection method: in vitro. Allele origin: not applicable. Functional consequence: retained intron. Not counted in ClinVar's aggregate classification.

NM_014140.4(SMARCAL1):c.2428-22G>T

Gene: SMARCAL1 (SNF2 related chromatin remodeling annealing helicase 1; plus strand). Cytogenetic location: 2q35.
Variant type: single nucleotide variant.
Coding change: c.2428-22G>T on transcript NM_014140.4 (MANE Select); 22 bases into the intron before coding-DNA position 2428, G replaced by T.
Molecular consequence: intron variant.
Genome position (GRCh38, 1-based): chr2:216,477,087, G>T. VCF-style: chr2-216477087-G-T. GRCh37 (hg19) VCF-style: chr2-217341810-G-T.
Other names: NC_000002.11:g.217341810G>T; c.2428-22G>T (NM_001127207.2).
Identifiers: ClinVar variation 4509151 (VCV004509151.2).